The following is an entry in ClinVar:

ClinVar aggregate classification (germline): Pathogenic (1 of 4 stars; one submission).

Conditions:
DICER1-related tumor predisposition. Also called: DICER1-related pleuropulmonary blastoma cancer predisposition syndrome; DICER1 syndrome. Identifiers: Orphanet 284343, MedGen C3839822, MONDO:0100216.

Submission:

Labcorp Genetics (formerly Invitae), Labcorp
Classification: Pathogenic for DICER1-related tumor predisposition. Last evaluated: 2022-10-23. Review status: criteria provided, single submitter. Criteria: Invitae Variant Classification Sherloc (09022015). Collection method: clinical testing. Allele origin: germline.
Comment: This sequence change creates a premature translational stop signal (p.Gln1212*) in the DICER1 gene. It is expected to result in an absent or disrupted protein product. Loss-of-function variants in DICER1 are known to be pathogenic (PMID: 19556464, 21266384). This variant is not present in population databases (gnomAD no frequency). This variant has not been reported in the literature in individuals affected with DICER1-related conditions. For these reasons, this variant has been classified as Pathogenic.

Literature cited by the submitters: PubMed 19556464; PubMed 21266384.

NM_177438.3(DICER1):c.3634C>T (p.Gln1212Ter)

Gene: DICER1 (dicer 1, ribonuclease III; minus strand). Cytogenetic location: 14q32.13.
Variant type: single nucleotide variant.
Coding change: c.3634C>T on transcript NM_177438.3 (MANE Select); coding-DNA position 3634, C replaced by T.
Protein change: p.Gln1212Ter; replaces glutamine 1212 with a stop codon.
Molecular consequence: nonsense. On other transcripts: non-coding transcript variant (6).
Genome position (GRCh38, 1-based): chr14:95,103,762, G>A on the plus strand (C>T on the coding strand, the complement: DICER1 is on the minus strand). VCF-style: chr14-95103762-G-A. GRCh37 (hg19) VCF-style: chr14-95570099-G-A.
Other names: c.3634C>T, p.Gln1212Ter (NM_001195573.1, NM_001271282.3, NM_001291628.2 and 13 more transcripts); c.3352C>T, p.Gln1118Ter (NM_001395686.1); c.3229C>T, p.Gln1077Ter (NM_001395687.1, NM_001395688.1, NM_001395689.1 and 2 more transcripts); c.3067C>T, p.Gln1023Ter (NM_001395691.1); c.1951C>T, p.Gln651Ter (NM_001395697.1); short protein forms Q1212*, Q1118*, Q1023*, Q1077*, Q651*.
Identifiers: ClinVar variation 2036557 (VCV002036557.4), dbSNP rs2139963605, ClinGen allele CA390874596.
Genomic context (GRCh38, chr14:95,103,762, plus strand): 5'-TGGGCTGGGGCTGGTTCTCGTAACTGTATAAATTCTGAATGGAATATGAGGTAGTTGGTT[G>A]CACGGGTATTTCCTGCTTGTAGTAATTTAGCTGATTTCCTTGGCAAAAGTCTCTGTTAGC-3'